The following is an entry in ClinVar:

ClinVar aggregate classification (germline): Likely benign (0 of 4 stars; one submission).

Conditions:
AFF4-related disorder. Also called: AFF4-related condition.

Allele frequency attached by ClinVar (database versions not stated): ExAC 0.00002; gnomAD 0.00002; gnomAD exomes 0.00002; TOPMed 0.00002; 1000 Genomes Project 30x 0.00016; 1000 Genomes Project 0.00020.
gnomAD v4.1: 27 of 1,614,084 alleles (0.0017%); highest among the groups gnomAD compares: South Asian, 0.0099%; no homozygotes.

Submission:

PreventionGenetics, part of Exact Sciences
Classification: Likely benign for AFF4-related condition. Last evaluated: 2024-01-15. Review status: no assertion criteria provided. Collection method: clinical testing. Allele origin: germline.
Comment: This variant is classified as likely benign based on ACMG/AMP sequence variant interpretation guidelines (Richards et al. 2015 PMID: 25741868, with internal and published modifications).

NM_014423.4(AFF4):c.2352G>A (p.Thr784=)

Gene: AFF4 (ALF transcription elongation factor 4; minus strand). Cytogenetic location: 5q31.1.
Variant type: single nucleotide variant.
Coding change: c.2352G>A on transcript NM_014423.4 (MANE Select); coding-DNA position 2352, G replaced by A.
Protein change: p.Thr784=; no amino-acid change (threonine 784 retained).
Molecular consequence: synonymous variant.
Genome position (GRCh38, 1-based): chr5:132,893,074, C>T on the plus strand (G>A on the coding strand, the complement: AFF4 is on the minus strand). VCF-style: chr5-132893074-C-T. GRCh37 (hg19) VCF-style: chr5-132228766-C-T.
Identifiers: ClinVar variation 3053652 (VCV003053652.2), dbSNP rs569024443, ClinGen allele CA3408948.